The following is an entry in ClinVar:

NM_015102.5(NPHP4):c.3565G>A (p.Gly1189Arg)

Gene: NPHP4 (nephrocystin 4; minus strand). Cytogenetic location: 1p36.31.
Variant type: single nucleotide variant.
Coding change: c.3565G>A on transcript NM_015102.5 (MANE Select); coding-DNA position 3565, G replaced by A.
Protein change: p.Gly1189Arg; replaces glycine 1189 with arginine.
Molecular consequence: missense variant. On other transcripts: non-coding transcript variant (1).
Genome position (GRCh38, 1-based): chr1:5,866,452, C>T on the plus strand (G>A on the coding strand, the complement: NPHP4 is on the minus strand). VCF-style: chr1-5866452-C-T. GRCh37 (hg19) VCF-style: chr1-5926512-C-T.
Other names: c.3565G>A (NM_015102.3); c.2026G>A, p.Gly676Arg (NM_001291593.2); c.2029G>A, p.Gly677Arg (NM_001291594.2); short protein forms G676R, G1189R, G677R.
Identifiers: ClinVar variation 2898582 (VCV002898582.4), dbSNP rs750224980, ClinGen allele CA553542.
Genomic context (GRCh38, chr1:5,866,452, plus strand): 5'-AGTCTTTGATCTCCGGGCTTGGACCACTGGCCACCTTCAGAAATATGTCCCGTGGTTCCC[C>T]GGGGCCCTGCCAACCAGATGTGCAGCACATCAGGGCACACAGTGCTCTGCCGACCCCAGC-3'
Protein context (NP_055917.1, residues 1179-1199): VICETQNVGP[Gly1189Arg]EPRDIFLKVA

ClinVar aggregate classification (germline): Uncertain significance. Review status: criteria provided, multiple submitters, no conflicts (2 of 4 stars). 2 submissions from 2 submitters: Uncertain significance (2). Last evaluated 2025-05-03.

Conditions:
Nephronophthisis. Also called: Juvenile Nephronophthisis. Identifiers: Orphanet 655, MedGen C0687120, MONDO:0019005, HP:0000090.
Inborn genetic diseases. Identifiers: MedGen C0950123, MeSH D030342.

Allele frequency attached by ClinVar (database versions not stated): gnomAD exomes 0.00001; ExAC 0.00005.
gnomAD v4.1: 18 of 1,587,578 alleles (0.0011%); highest among the groups gnomAD compares: Non-Finnish European, 0.0014%; no homozygotes.

Submissions (2):

Ambry Genetics
Classification: Uncertain significance for Inborn genetic diseases. Last evaluated: 2025-05-03. Review status: criteria provided, single submitter. Criteria: Ambry Variant Classification Scheme 2023. Collection method: clinical testing. Allele origin: germline.

Labcorp Genetics (formerly Invitae), Labcorp
Classification: Uncertain significance for Nephronophthisis. Last evaluated: 2023-12-26. Review status: criteria provided, single submitter. Criteria: Invitae Variant Classification Sherloc (09022015). Collection method: clinical testing. Allele origin: germline.
Comment: This sequence change replaces glycine, which is neutral and non-polar, with arginine, which is basic and polar, at codon 1189 of the NPHP4 protein (p.Gly1189Arg). The frequency data for this variant in the population databases is considered unreliable, as metrics indicate poor data quality at this position in the gnomAD database. This variant has not been reported in the literature in individuals affected with NPHP4-related conditions. Algorithms developed to predict the effect of missense changes on protein structure and function output the following: SIFT: "Not Available"; PolyPhen-2: "Benign"; Align-GVGD: "Not Available". The arginine amino acid residue is found in multiple mammalian species, which suggests that this missense change does not adversely affect protein function. In summary, the available evidence is currently insufficient to determine the role of this variant in disease. Therefore, it has been classified as a Variant of Uncertain Significance.